The following is an entry in ClinVar:

NM_001903.5(CTNNA1):c.799G>C (p.Ala267Pro)

Gene: CTNNA1 (catenin alpha 1; plus strand). Cytogenetic location: 5q31.2.
Variant type: single nucleotide variant.
Coding change: c.799G>C on transcript NM_001903.5 (MANE Select); coding-DNA position 799, G replaced by C.
Protein change: p.Ala267Pro; replaces alanine 267 with proline.
Molecular consequence: missense variant.
Genome position (GRCh38, 1-based): chr5:138,824,740, G>C. VCF-style: chr5-138824740-G-C. GRCh37 (hg19) VCF-style: chr5-138160429-G-C.
Other names: c.799G>C, p.Ala267Pro (NM_001290307.3, NM_001323982.2, NM_001323983.1 and 3 more transcripts); c.430G>C, p.Ala144Pro (NM_001290310.3); c.490G>C, p.Ala164Pro (NM_001290309.3); c.799G>C (NM_001903.2); short protein forms A164P, A267P, A144P.
Identifiers: ClinVar variation 2705442 (VCV002705442.4), dbSNP rs2532426035, ClinGen allele CA361130079.

ClinVar aggregate classification (germline): Uncertain significance. Review status: criteria provided, multiple submitters, no conflicts (2 of 4 stars). 2 submissions from 2 submitters: Uncertain significance (2). Last evaluated 2024-04-01.

Conditions:
Hereditary cancer-predisposing syndrome. Also called: Hereditary neoplastic syndrome; Neoplastic Syndromes, Hereditary; Hereditary Cancer Syndrome; Tumor predisposition. Identifiers: Orphanet 140162, MedGen C0027672, MeSH D009386, MONDO:0015356.

Submissions (2):

Ambry Genetics
Classification: Uncertain significance for Hereditary cancer-predisposing syndrome. Last evaluated: 2024-04-01. Review status: criteria provided, single submitter. Criteria: Ambry Variant Classification Scheme 2023. Collection method: clinical testing. Allele origin: germline.
Comment: The p.A267P variant (also known as c.799G>C), located in coding exon 5 of the CTNNA1 gene, results from a G to C substitution at nucleotide position 799. The alanine at codon 267 is replaced by proline, an amino acid with highly similar properties. This amino acid position is conserved. In addition, this alteration is predicted to be tolerated by in silico analysis. Based on the available evidence, the clinical significance of this alteration remains unclear.

Labcorp Genetics (formerly Invitae), Labcorp
Classification: Uncertain significance. Last evaluated: 2023-12-25. Review status: criteria provided, single submitter. Criteria: Invitae Variant Classification Sherloc (09022015). Collection method: clinical testing. Allele origin: germline.
Comment: This sequence change replaces alanine, which is neutral and non-polar, with proline, which is neutral and non-polar, at codon 267 of the CTNNA1 protein (p.Ala267Pro). This variant is not present in population databases (gnomAD no frequency). This variant has not been reported in the literature in individuals affected with CTNNA1-related conditions. Advanced modeling of protein sequence and biophysical properties (such as structural, functional, and spatial information, amino acid conservation, physicochemical variation, residue mobility, and thermodynamic stability) performed at Invitae indicates that this missense variant is not expected to disrupt CTNNA1 protein function with a negative predictive value of 80%. In summary, the available evidence is currently insufficient to determine the role of this variant in disease. Therefore, it has been classified as a Variant of Uncertain Significance.